The following is an entry in ClinVar:

NM_000071.3(CBS):c.1619T>A (p.Leu540Gln)

Gene: CBS (cystathionine beta-synthase; minus strand). Cytogenetic location: 21q22.3.
Variant type: single nucleotide variant.
Coding change: c.1619T>A on transcript NM_000071.3 (MANE Select); coding-DNA position 1619, T replaced by A.
Protein change: p.Leu540Gln; replaces leucine 540 with glutamine.
Molecular consequence: missense variant.
Genome position (GRCh38, 1-based): chr21:43,053,917, A>T on the plus strand (T>A on the coding strand, the complement: CBS is on the minus strand). VCF-style: chr21-43053917-A-T. GRCh37 (hg19) VCF-style: chr21-44474027-A-T.
Other names: c.1619T>A, p.Leu540Gln (NM_001178008.3, NM_001178009.3, NM_001320298.2); c.1304T>A, p.Leu435Gln (NM_001321072.1); short protein forms L435Q, L540Q.
Identifiers: ClinVar variation 4816525 (VCV004816525.1).
Genomic context (GRCh38, chr21:43,053,917, plus strand): 5'-CGCACCGCCCAGCGCTCCGGACTTCACTTCTGGTCCCGCTCCTGGGCGGCCACGAAGTTC[A>T]GCAAGTCAATGGCGGTGACCACCCCGAACACCATCTGCCGCTGACTGGACTTCCCGGTGC-3'
Protein context (NP_000062.1, residues 530-550): VFGVVTAIDL[Leu540Gln]NFVAAQERDQ

ClinVar aggregate classification (germline): Likely pathogenic (1 of 4 stars; one submission).

Conditions:
Classic homocystinuria. Also called: HOMOCYSTINURIA WITH OR WITHOUT RESPONSE TO PYRIDOXINE; Homocystinuria due to CBS deficiency; Cystathionine beta-synthase deficiency; CBS deficiency; Homocystinuria due to Cystathionine Beta-Synthase Deficiency. Identifiers: Orphanet 394, MedGen C0751202, MONDO:0009352, OMIM 236200.

Submission:

Natera, Inc.
Classification: Likely pathogenic for Homocystinuria due to cystathionine beta-synthase deficiency. Last evaluated: 2025-12-22. Review status: criteria provided, single submitter. Criteria: Natera Variant Classification Schema (03/2026). Collection method: clinical testing. Allele origin: germline.
Comment: The c.1619T>A variant in CBS is a missense variant predicted to cause substitution of leucine to glutamine at amino acid 540. This variant is rare in the general population with a frequency below the threshold expected for the associated phenotype(s). This variant has been observed in one or more individuals affected with the associated recessive disease, as either homozygous or compound heterozygous with a second variant (PMID: 23974653). This variant has been identified in one or more affected individual with a phenotype highly consistent with the associated gene (PMID: 23974653). Computational prediction algorithms indicate this variant is likely to affect gene or protein function. Given the available evidence, this variant is classified as Likely Pathogenic.

Literature cited by the submitters: PubMed 23974653.